The following is an entry in ClinVar:

NM_004463.3(FGD1):c.268C>T (p.Arg90Cys)

Gene: FGD1 (FYVE, RhoGEF and PH domain containing 1; minus strand). Cytogenetic location: Xp11.22.
Variant type: single nucleotide variant.
Coding change: c.268C>T on transcript NM_004463.3 (MANE Select); coding-DNA position 268, C replaced by T.
Protein change: p.Arg90Cys; replaces arginine 90 with cysteine.
Molecular consequence: missense variant.
Genome position (GRCh38, 1-based): chrX:54,495,165, G>A on the plus strand (C>T on the coding strand, the complement: FGD1 is on the minus strand). VCF-style: chrX-54495165-G-A. GRCh37 (hg19) VCF-style: chrX-54521598-G-A.
Other names: short protein forms R90C.
Identifiers: ClinVar variation 4764011 (VCV004764011.1).

ClinVar aggregate classification (germline): Uncertain significance (1 of 4 stars; one submission).

gnomAD v4.1: 3 of 1,185,686 alleles (0.00025%); highest among the groups gnomAD compares: African/African-American, 0.0035%; no homozygotes.

Submission:

Labcorp Genetics (formerly Invitae), Labcorp
Classification: Uncertain significance. Last evaluated: 2025-11-12. Review status: criteria provided, single submitter. Criteria: Invitae Variant Classification Sherloc (09022015). Collection method: clinical testing. Allele origin: germline.
Comment: This sequence change replaces arginine, which is basic and polar, with cysteine, which is neutral and slightly polar, at codon 90 of the FGD1 protein (p.Arg90Cys). This variant is not present in population databases (gnomAD no frequency). This variant has not been reported in the literature in individuals affected with FGD1-related conditions. Invitae Evidence Modeling of protein sequence and biophysical properties (such as structural, functional, and spatial information, amino acid conservation, physicochemical variation, residue mobility, and thermodynamic stability) indicates that this missense variant is not expected to disrupt FGD1 protein function with a negative predictive value of 95%. In summary, the available evidence is currently insufficient to determine the role of this variant in disease. Therefore, it has been classified as a Variant of Uncertain Significance.